The following is an entry in ClinVar:

ClinVar aggregate classification (germline): Uncertain significance (1 of 4 stars; one submission).

Submission:

Greenwood Genetic Center Diagnostic Laboratories, Greenwood Genetic Center
Classification: Uncertain significance. Last evaluated: 2021-12-29. Review status: criteria provided, single submitter. Criteria: ACMG Guidelines, 2015. Collection method: clinical testing. Allele origin: germline. Affected: yes.
Comment: PM2

NM_001370100.5(ZMYND11):c.757G>C (p.Asp253His)

Gene: ZMYND11 (zinc finger MYND-type containing 11; plus strand). Cytogenetic location: 10p15.3.
Variant type: single nucleotide variant.
Coding change: c.757G>C on transcript NM_001370100.5 (MANE Select); coding-DNA position 757, G replaced by C.
Protein change: p.Asp253His; replaces aspartic acid 253 with histidine.
Molecular consequence: missense variant. On other transcripts: non-coding transcript variant (1), intron variant (1).
Genome position (GRCh38, 1-based): chr10:240,896, G>C. VCF-style: chr10-240896-G-C. GRCh37 (hg19) VCF-style: chr10-286836-G-C.
Other names: c.595G>C, p.Asp199His (NM_001202464.3, NM_001202467.1, NM_001370103.2 and 6 more transcripts); c.502G>C, p.Asp168His (NM_001202465.3, NM_001370110.2); c.592G>C, p.Asp198His (NM_001202466.3, NM_001370111.2); c.757G>C, p.Asp253His (NM_001202468.1, NM_001370097.3, NM_001370098.2 and 5 more transcripts); c.706G>C, p.Asp236His (NM_001330057.3, NM_001370112.2); c.664G>C, p.Asp222His (NM_001370113.2, NM_001370114.2); c.754G>C, p.Asp252His (NM_001370115.2, NM_212479.4); c.691G>C, p.Asp231His (NM_001370116.2); and 7 more; short protein forms D134H, D151H, D159H, D168H, D177H, D198H, D199H, D213H.
Identifiers: ClinVar variation 1334691 (VCV001334691.4), dbSNP rs750575464, ClinGen allele CA375845939.